The following is an entry in ClinVar:

ClinVar aggregate classification (germline): Likely benign (1 of 4 stars; one submission).

Allele frequency attached by ClinVar (database versions not stated): ExAC 0.00129; gnomAD exomes 0.00132; gnomAD 0.00164; 1000 Genomes Project 30x 0.00265.
gnomAD v4.1: 2,172 of 1,610,474 alleles (0.13%); highest among the groups gnomAD compares: South Asian, 0.21%; 7 homozygotes.

Submission:

CeGaT Center for Human Genetics Tuebingen
Classification: Likely benign. Last evaluated: 2023-02-01. Review status: criteria provided, single submitter. Criteria: CeGaT Center For Human Genetics Tuebingen Variant Classification Criteria Version 2. Collection method: clinical testing. Allele origin: germline. Affected: yes. Observed: 1 variant allele.
Comment: ZNF417: BP4, BP7

NM_152475.3(ZNF417):c.1158A>G (p.Gly386=)

Gene: ZNF417 (zinc finger protein 417; minus strand). Cytogenetic location: 19q13.43.
Variant type: single nucleotide variant.
Coding change: c.1158A>G on transcript NM_152475.3 (MANE Select); coding-DNA position 1158, A replaced by G.
Protein change: p.Gly386=; no amino-acid change (glycine 386 retained).
Molecular consequence: synonymous variant.
Genome position (GRCh38, 1-based): chr19:57,909,120, T>C on the plus strand (A>G on the coding strand, the complement: ZNF417 is on the minus strand). VCF-style: chr19-57909120-T-C. GRCh37 (hg19) VCF-style: chr19-58420488-T-C.
Other names: c.1155A>G, p.Gly385= (NM_001297734.2).
Identifiers: ClinVar variation 2650580 (VCV002650580.24), dbSNP rs199756105, ClinGen allele CA9707882.
Genomic context (GRCh38, chr19:57,909,120, plus strand): 5'-CCTTTCTCCAGTATGACCTCGCTGATGTTGAACGAGGTTGCCCTTTTGACCAAAAGATTT[T>C]CCACATTCTCCACACTTGTAAGGCCTTTCTCCAGTGTGAACACGCTGATGGTTAATAAAG-3'
Protein context (NP_689688.2, residues 376-396): GERPYKCGEC[Gly386=]KSFGQKGNLV